The following is an entry in ClinVar:

ClinVar aggregate classification (germline): Uncertain significance. Review status: criteria provided, multiple submitters, no conflicts (2 of 4 stars). 2 submissions from 2 submitters: Uncertain significance (2). Last evaluated 2024-03-21.

Conditions:
Cardiovascular phenotype. Identifiers: MedGen CN230736.

Allele frequency attached by ClinVar (database versions not stated): gnomAD exomes below 0.00001; gnomAD 0.00001; TOPMed 0.00001.
gnomAD v4.1: 8 of 1,614,152 alleles (0.0005%); highest among the groups gnomAD compares: Admixed American, 0.0033%; no homozygotes.

Submissions (2):

Ambry Genetics
Classification: Uncertain significance for Cardiovascular phenotype. Last evaluated: 2024-03-21. Review status: criteria provided, single submitter. Criteria: Ambry Variant Classification Scheme 2023. Collection method: clinical testing. Allele origin: germline.
Comment: The p.L347M variant (also known as c.1039C>A), located in coding exon 3 of the APOA5 gene, results from a C to A substitution at nucleotide position 1039. The leucine at codon 347 is replaced by methionine, an amino acid with highly similar properties. This amino acid position is conserved. In addition, the in silico prediction for this alteration is inconclusive. Based on the available evidence, the clinical significance of this alteration remains unclear.

Mendelics
Classification: Uncertain significance. Last evaluated: 2022-05-04. Review status: criteria provided, single submitter. Criteria: Mendelics Assertion Criteria 2019. Collection method: clinical testing. Allele origin: germline.

NM_001371904.1(APOA5):c.1039C>A (p.Leu347Met)

Gene: APOA5 (apolipoprotein A5; minus strand). Cytogenetic location: 11q23.3.
Variant type: single nucleotide variant.
Coding change: c.1039C>A on transcript NM_001371904.1 (MANE Select); coding-DNA position 1039, C replaced by A.
Protein change: p.Leu347Met; replaces leucine 347 with methionine.
Molecular consequence: missense variant.
Genome position (GRCh38, 1-based): chr11:116,790,190, G>T on the plus strand (C>A on the coding strand, the complement: APOA5 is on the minus strand). VCF-style: chr11-116790190-G-T. GRCh37 (hg19) VCF-style: chr11-116660906-G-T.
Other names: c.1039C>A, p.Leu347Met (NM_001166598.2, NM_052968.5); c.1039C>A (NM_052968.4); short protein forms L347M.
Identifiers: ClinVar variation 1686453 (VCV001686453.2), dbSNP rs1940969645, ClinGen allele CA382734206.